The following is an entry in ClinVar:

ClinVar aggregate classification (germline): Likely benign (1 of 4 stars; one submission).

Conditions:
Familial hypercholesterolemia. Also called: Familial hypercholesterolaemia. Identifiers: MedGen C0020445, MONDO:0005439.

gnomAD v4.1: 2 of 1,602,520 alleles (0.00012%); highest among the groups gnomAD compares: Admixed American, 0.0034%; no homozygotes.

Submission:

GENinCode PLC
Classification: Likely benign for Familial hypercholesterolemia. Last evaluated: 2023-09-27. Review status: criteria provided, single submitter. Criteria: ACMG Guidelines, 2015. Collection method: clinical testing. Allele origin: germline.
Comment: This is a synonymous (silent) variant that is not predicted by SpliceAI to impact splicing. In addition, it occurs at a nucleotide that is not conserved. Therefore this variant has been classified as Likely Benign (BP4, BP7).

NM_174936.4(PCSK9):c.1836G>A (p.Glu612=)

Gene: PCSK9 (proprotein convertase subtilisin/kexin type 9; plus strand). Cytogenetic location: 1p32.3.
Variant type: single nucleotide variant.
Coding change: c.1836G>A on transcript NM_174936.4 (MANE Select); coding-DNA position 1836, G replaced by A.
Protein change: p.Glu612=; no amino-acid change (glutamic acid 612 retained).
Molecular consequence: synonymous variant. On other transcripts: non-coding transcript variant (8).
Genome position (GRCh38, 1-based): chr1:55,061,529, G>A. VCF-style: chr1-55061529-G-A. GRCh37 (hg19) VCF-style: chr1-55527202-G-A.
Other names: c.1959G>A, p.Glu653= (NM_001407240.1); c.1878G>A, p.Glu626= (NM_001407241.1); c.1839G>A, p.Glu613= (NM_001407242.1); c.1779G>A, p.Glu593= (NM_001407243.1); c.1662G>A, p.Glu554= (NM_001407244.1); c.1644G>A, p.Glu548= (NM_001407245.1); c.1461G>A, p.Glu487= (NM_001407246.1); c.1335G>A, p.Glu445= (NM_001407247.1).
Identifiers: ClinVar variation 3392983 (VCV003392983.1).